The following is an entry in ClinVar:

ClinVar aggregate classification (germline): Likely benign. Review status: criteria provided, multiple submitters, no conflicts (2 of 4 stars). 2 submissions from 2 submitters: Likely benign (2). Last evaluated 2024-11-10.

Conditions:
Familial thoracic aortic aneurysm and aortic dissection (TAAD). Also called: Thoracic aortic aneurysms and dissections. Identifiers: Orphanet 91387, MedGen C4707243, MONDO:0019625.

Submissions (2):

Ambry Genetics
Classification: Likely benign for Familial thoracic aortic aneurysm and aortic dissection. Last evaluated: 2024-11-10. Review status: criteria provided, single submitter. Criteria: Ambry Variant Classification Scheme 2023. Collection method: clinical testing. Allele origin: germline.

GeneDx
Classification: Likely benign. Last evaluated: 2018-02-13. Review status: criteria provided, single submitter. Criteria: GeneDx Variant Classification (06012015). Collection method: clinical testing. Allele origin: germline. Affected: yes.
Comment: This variant is considered likely benign or benign based on one or more of the following criteria: it is a conservative change, it occurs at a poorly conserved position in the protein, it is predicted to be benign by multiple in silico algorithms, and/or has population frequency not consistent with disease.

NM_053025.4(MYLK):c.1326G>A (p.Lys442=)

Gene: MYLK (myosin light chain kinase; minus strand). Cytogenetic location: 3q21.1.
Variant type: single nucleotide variant.
Coding change: c.1326G>A on transcript NM_053025.4 (MANE Select); coding-DNA position 1326, G replaced by A.
Protein change: p.Lys442=; no amino-acid change (lysine 442 retained).
Molecular consequence: synonymous variant. On other transcripts: intron variant (2).
Genome position (GRCh38, 1-based): chr3:123,733,086, C>T on the plus strand (G>A on the coding strand, the complement: MYLK is on the minus strand). VCF-style: chr3-123733086-C-T. GRCh37 (hg19) VCF-style: chr3-123451933-C-T.
Other names: c.798G>A, p.Lys266= (NM_001321309.2); c.1326G>A, p.Lys442= (NM_053027.4); c.1309+601G>A (NM_053028.4, NM_053026.4).
Identifiers: ClinVar variation 515454 (VCV000515454.2), dbSNP rs1553821840, ClinGen allele CA435306758.
Genomic context (GRCh38, chr3:123,733,086, plus strand): 5'-CTCAATGCTGCCTTCCTGTCTCCTCACGGGGGTGCCTTCCAGGAACCAGGCCACTTCAGG[C>T]TTTGGAATCCCGGAAACTACAGGGCCAGGTAAAGAACGTGAGCTCCCTATGCCCTGGAGA-3'
Protein context (NP_444253.3, residues 432-452): KFRCEVSGIP[Lys442=]PEVAWFLEGT